The following is an entry in ClinVar:

NM_006231.4(POLE):c.1934T>C (p.Met645Thr)

Gene: POLE (DNA polymerase epsilon, catalytic subunit; minus strand). Cytogenetic location: 12q24.33.
Variant type: single nucleotide variant.
Coding change: c.1934T>C on transcript NM_006231.4 (MANE Select); coding-DNA position 1934, T replaced by C.
Protein change: p.Met645Thr; replaces methionine 645 with threonine.
Molecular consequence: missense variant.
Genome position (GRCh38, 1-based): chr12:132,668,727, A>G on the plus strand (T>C on the coding strand, the complement: POLE is on the minus strand). VCF-style: chr12-132668727-A-G. GRCh37 (hg19) VCF-style: chr12-133245313-A-G.
Other names: short protein forms M645T.
Identifiers: ClinVar variation 5027135 (VCV005027135.1).

ClinVar aggregate classification (germline): Uncertain significance (1 of 4 stars; one submission).

Conditions:
Hereditary cancer-predisposing syndrome. Also called: Neoplastic Syndromes, Hereditary; Tumor predisposition; Hereditary neoplastic syndrome; Hereditary Cancer Syndrome. Identifiers: Orphanet 140162, MedGen C0027672, MeSH D009386, MONDO:0015356.

Submission:

Ambry Genetics
Classification: Uncertain significance for Hereditary cancer-predisposing syndrome. Last evaluated: 2026-09-06. Review status: criteria provided, single submitter. Criteria: Ambry Variant Classification Scheme 2023. Collection method: clinical testing. Allele origin: germline.
Comment: The p.M645T variant (also known as c.1934T>C), located in coding exon 18 of the POLE gene, results from a T to C substitution at nucleotide position 1934. The methionine at codon 645 is replaced by threonine, an amino acid with similar properties. This amino acid position is conserved. In addition, this alteration is predicted to be tolerated by in silico analysis. Based on the available evidence, the clinical significance of this variant remains unclear.